The following is an entry in ClinVar:

NM_000492.4(CFTR):c.619C>G (p.Gln207Glu)

Gene: CFTR (CF transmembrane conductance regulator; plus strand). Cytogenetic location: 7q31.2.
Variant type: single nucleotide variant.
Coding change: c.619C>G on transcript NM_000492.4 (MANE Select); coding-DNA position 619, C replaced by G.
Protein change: p.Gln207Glu; replaces glutamine 207 with glutamic acid.
Molecular consequence: missense variant.
Genome position (GRCh38, 1-based): chr7:117,535,287, C>G. VCF-style: chr7-117535287-C-G. GRCh37 (hg19) VCF-style: chr7-117175341-C-G.
Other names: short protein forms Q207E.
Identifiers: ClinVar variation 4692354 (VCV004692354.1).

ClinVar aggregate classification (germline): Uncertain significance (1 of 4 stars; one submission).

Conditions:
Cystic fibrosis (CF). Also called: MUCOVISCIDOSIS. Identifiers: Orphanet 586, MedGen C0010674, MONDO:0009061, OMIM 219700. Disease mechanism: loss of function.

Submission:

Labcorp Genetics (formerly Invitae), Labcorp
Classification: Uncertain significance for Cystic fibrosis. Last evaluated: 2025-07-21. Review status: criteria provided, single submitter. Criteria: Invitae Variant Classification Sherloc (09022015). Collection method: clinical testing. Allele origin: germline.
Comment: This sequence change replaces glutamine, which is neutral and polar, with glutamic acid, which is acidic and polar, at codon 207 of the CFTR protein (p.Gln207Glu). This variant is not present in population databases (gnomAD no frequency). This variant has not been reported in the literature in individuals affected with CFTR-related conditions. Invitae Evidence Modeling of protein sequence and biophysical properties (such as structural, functional, and spatial information, amino acid conservation, physicochemical variation, residue mobility, and thermodynamic stability) indicates that this missense variant is expected to disrupt CFTR protein function with a positive predictive value of 80%. Experimental studies have shown that this missense change affects CFTR function (PMID: 24412276). In summary, the available evidence is currently insufficient to determine the role of this variant in disease. Therefore, it has been classified as a Variant of Uncertain Significance.

Literature cited by the submitters: PubMed 24412276.